The following is an entry in ClinVar:

ClinVar aggregate classification (germline): Uncertain significance. Review status: criteria provided, multiple submitters, no conflicts (2 of 4 stars). 2 submissions from 2 submitters: Uncertain significance (2). Last evaluated 2021-08-19.

Conditions:
Hereditary cancer-predisposing syndrome. Also called: Hereditary Cancer Syndrome; Neoplastic Syndromes, Hereditary; Tumor predisposition; Hereditary neoplastic syndrome. Identifiers: Orphanet 140162, MedGen C0027672, MeSH D009386, MONDO:0015356.

Submissions (2):

Ambry Genetics
Classification: Uncertain significance for Hereditary cancer-predisposing syndrome. Last evaluated: 2021-08-19. Review status: criteria provided, single submitter. Criteria: Ambry Variant Classification Scheme 2023. Collection method: clinical testing. Allele origin: germline.
Comment: The p.T2783N variant (also known as c.8348C>A), located in coding exon 18 of the BRCA2 gene, results from a C to A substitution at nucleotide position 8348. The threonine at codon 2783 is replaced by asparagine, an amino acid with similar properties. This amino acid position is well conserved in available vertebrate species. In addition, the in silico prediction for this alteration is inconclusive. Since supporting evidence is limited at this time, the clinical significance of this alteration remains unclear.

Color Diagnostics, LLC DBA Color Health
Classification: Uncertain significance for Hereditary cancer-predisposing syndrome. Last evaluated: 2019-04-02. Review status: criteria provided, single submitter. Criteria: ACMG Guidelines, 2015. Collection method: clinical testing. Allele origin: germline.

NM_000059.4(BRCA2):c.8348C>A (p.Thr2783Asn)

Gene: BRCA2 (BRCA2 DNA repair associated; plus strand). Cytogenetic location: 13q13.1.
Variant type: single nucleotide variant.
Coding change: c.8348C>A on transcript NM_000059.4 (MANE Select); coding-DNA position 8348, C replaced by A.
Protein change: p.Thr2783Asn; replaces threonine 2783 with asparagine.
Molecular consequence: missense variant.
Genome position (GRCh38, 1-based): chr13:32,370,418, C>A. VCF-style: chr13-32370418-C-A. GRCh37 (hg19) VCF-style: chr13-32944555-C-A.
Other names: short protein forms T2783N.
Identifiers: ClinVar variation 489787 (VCV000489787.6), dbSNP rs1555287610, ClinGen allele CA387752380.